The following is an entry in ClinVar:

ClinVar aggregate classification (germline): Pathogenic. Review status: criteria provided, multiple submitters, no conflicts (2 of 4 stars). 14 submissions from 14 submitters: Pathogenic (13). 1 of the submissions does not count toward it. Last evaluated 2026-01-30.

Conditions:
BTD-related disorder. Also called: BTD-related condition.
Inborn genetic diseases. Identifiers: MedGen C0950123, MeSH D030342.
Biotinidase deficiency. Also called: Biotin deficiency; BTD deficiency; Late-onset biotin-responsive multiple carboxylase deficiency. Identifiers: Orphanet 79241, MedGen C0220754, MONDO:0009665, OMIM 253260.

Allele frequency attached by ClinVar (database versions not stated): ExAC 0.00002; gnomAD 0.00003 and 0.00002; gnomAD exomes 0.00010 and 0.00005; TOPMed 0.00008.
gnomAD v4.1: 37 of 1,614,156 alleles (0.0023%); highest among the groups gnomAD compares: Admixed American, 0.062%; no homozygotes.

Submissions (14):

Labcorp Genetics (formerly Invitae), Labcorp
Classification: Pathogenic for Biotinidase deficiency. Last evaluated: 2026-01-30. Review status: criteria provided, single submitter. Criteria: Invitae Variant Classification Sherloc (09022015). Collection method: clinical testing. Allele origin: germline.
Comment: This sequence change replaces lysine, which is basic and polar, with asparagine, which is neutral and polar, at codon 176 of the BTD protein (p.Lys176Asn). This variant is present in population databases (rs397514367, gnomAD 0.08%). This missense change has been observed in individual(s) with profound biotinidase deficiency (<10% normal activity) (PMID: 10400129, 22698809). ClinVar contains an entry for this variant (Variation ID: 25018). Invitae Evidence Modeling of protein sequence and biophysical properties (such as structural, functional, and spatial information, amino acid conservation, physicochemical variation, residue mobility, and thermodynamic stability) indicates that this missense variant is expected to disrupt BTD protein function with a positive predictive value of 95%. For these reasons, this variant has been classified as Pathogenic.

PreventionGenetics, part of Exact Sciences
Classification: Pathogenic for BTD-related condition. Last evaluated: 2026-01-20. Review status: criteria provided, single submitter. Criteria: ACMG Guidelines, 2015. Collection method: clinical testing. Allele origin: germline.
Comment: The BTD c.528G>T variant is predicted to result in the amino acid substitution p.Lys176Asn. This variant, also described as c.468G>T, p.Lys156Asn using alternate transcript NM_001370658.1, has been reported in the homozygous state or with a second heterozygous BTD variant in numerous individuals with biotinidase deficiency. The majority of reported patients have exhibited profound deficiency (Norrgard et al. 1999. PubMed ID: 10400129; Cowan et al. 2012. PubMed ID: 22698809; Procter et al. 2016. PubMed ID: 26810761). This variant is reported in 0.073% of alleles in individuals of Latino descent in gnomAD. We classify this variant as pathogenic.

Natera, Inc.
Classification: Pathogenic for Biotinidase deficiency. Last evaluated: 2025-09-10. Review status: criteria provided, single submitter. Criteria: Natera Variant Classification Schema (03/2026). Collection method: clinical testing. Allele origin: germline.
Comment: The c.468G>T variant in BTD is a missense variant predicted to cause substitution of lysine to asparagine at amino acid 156. This variant is rare in the general population with a frequency below the threshold expected for the associated phenotype(s). This variant has been observed in one or more individuals affected with the associated recessive disease, as either homozygous or compound heterozygous with a second variant (PMID: 22698809). Computational prediction algorithms indicate this variant is likely to affect gene or protein function. Given the available evidence, this variant is classified as Pathogenic.

Quest Diagnostics Nichols Institute San Juan Capistrano
Classification: Pathogenic. Last evaluated: 2025-02-05. Review status: criteria provided, single submitter. Criteria: Quest Diagnostics criteria. Collection method: clinical testing. Allele origin: unknown.
Comment: The BTD c.528G>T (p.Lys176Asn) variant(also known as K176N) has been detected in multiple individuals with biotinidase deficiency (PMIDs: 1668630 (1991), 22698809 (2012), 26810761 (2016)) and is described as pathogenic (PMID: 39688110 (2024)). Individuals who are homozygous for this variant have been reported as having profound biotinidase deficiency with low biotinyl hydrolase activity, low biotinyl transferase activity, and low serum levels of cross-reacting material to antibody prepared against purified human serum biotinidase (PMIDs: 10400129 (1999) and 38299772 (2024)). The frequency of this variant in the general population (Genome Aggregation Database) is uninformative in the assessment of its pathogenicity. Based on the available information, this variant is classified as pathogenic. NOTE: Nucleotide numbering is based on the NCBI reference transcript NM_000060.3.

ARUP Laboratories, Molecular Genetics and Genomics, ARUP Laboratories
Classification: Pathogenic for Biotinidase deficiency. Last evaluated: 2024-12-04. Review status: criteria provided, single submitter. Criteria: ARUP Molecular Germline Variant Investigation Process 2024. Collection method: clinical testing. Allele origin: germline.
Comment: The BTD c.468G>T; p.Lys156Asn variant (rs397514367) is reported in the literature in the homozygous or compound heterozygous state in multiple Hispanic individuals affected with biotinidase deficiency (Cowan 2012, Norrgard 1999, Procter 2016). This variant is reported in ClinVar (Variation ID: 25018) and is found in the Latino population with an allele frequency of 0.074% (26/35434 alleles) in the Genome Aggregation Database. The lysine at codon 176 is highly conserved, but computational analyses are uncertain whether this variant is neutral or deleterious (REVEL: 0.633). Based on available information, this variant is considered to be pathogenic. References: Cowan TM et al. Increased incidence of profound biotinidase deficiency among Hispanic newborns in California. Mol Genet Metab. 2012 Aug;106(4):485-7. PMID: 22698809 Norrgard K et al. Mutations causing profound biotinidase deficiency in children ascertained by newborn screening in the United States occur at different frequencies than in symptomatic children. Pediatr Res 1999 46(1):20-7. PMID: 10400129 Procter M et al. Forty-eight novel mutations causing biotinidase deficiency. Mol Genet Metab. 2016 Mar;117(3):369-72. PMID: 26810761

Baylor Genetics
Classification: Pathogenic for Biotinidase deficiency. Last evaluated: 2024-03-30. Review status: criteria provided, single submitter. Criteria: ACMG Guidelines, 2015. Collection method: clinical testing. Allele origin: unknown.

Fulgent Genetics
Classification: Pathogenic for Biotinidase deficiency. Last evaluated: 2024-01-31. Review status: criteria provided, single submitter. Criteria: ACMG Guidelines, 2015. Collection method: clinical testing. Allele origin: germline.

Revvity Omics, Revvity
Classification: Pathogenic for Biotinidase deficiency. Last evaluated: 2023-11-22. Review status: criteria provided, single submitter. Criteria: ACMG Guidelines, 2015. Collection method: clinical testing. Allele origin: germline.

Blueprint Genetics
Classification: Pathogenic for BTD-related disorders. Last evaluated: 2022-10-26. Review status: criteria provided, single submitter. Criteria: ACMG Guidelines, 2015. Collection method: clinical testing. Allele origin: germline. Affected: yes. Observed: 2 variant alleles.

Women's Health and Genetics/Laboratory Corporation of America, LabCorp
Classification: Pathogenic for Biotinidase deficiency. Last evaluated: 2022-09-30. Review status: criteria provided, single submitter. Criteria: LabCorp Variant Classification Summary - May 2015. Collection method: clinical testing. Allele origin: germline.
Comment: Variant summary: BTD c.468G>T (p.Lys156Asn) results in a non-conservative amino acid change in the encoded protein sequence. Five of five in-silico tools predict a damaging effect of the variant on protein function. The variant allele was found at a frequency of 9.5e-05 in 251394 control chromosomes, predominantly at a frequency of 0.00069 within the Latino subpopulation in the gnomAD database. This frequency is not higher than predicted for a pathogenic variant in BTD causing Biotinidase Deficiency (9.5e-05 vs 0.0046). c.468G>T has been reported in the literature in multiple homozygous and compound heterozygous individuals affected with Biotinidase Deficiency (example: Cowan_2012). These data indicate that the variant is very likely to be associated with disease. Eight clinical diagnostic laboratories have submitted clinical-significance assessments for this variant to ClinVar after 2014 and all classified the variant as pathogenic/likely pathogenic. Based on the evidence outlined above, the variant was classified as pathogenic

GeneDx
Classification: Pathogenic. Last evaluated: 2021-09-13. Review status: criteria provided, single submitter. Criteria: GeneDx Variant Classification Process June 2021. Collection method: clinical testing. Allele origin: germline. Affected: yes.
Comment: In silico analysis, which includes protein predictors and evolutionary conservation, supports a deleterious effect; This variant is associated with the following publications: (PMID: 11668630, 17382128, 26334177, 22698809, 10400129, 26810761)

Ambry Genetics
Classification: Pathogenic for Inborn genetic diseases. Last evaluated: 2017-11-06. Review status: criteria provided, single submitter. Criteria: Ambry exome assertion method (8-5-2015). Collection method: clinical testing. Allele origin: germline. Affected: yes. Observed: 1 variant allele.

Eurofins Ntd Llc (ga)
Classification: Pathogenic. Last evaluated: 2016-08-23. Review status: criteria provided, single submitter. Criteria: EGL Classification Definitions. Collection method: clinical testing. Allele origin: germline. Observed: 5 variant alleles, 3 heterozygotes, 2 homozygotes.

Counsyl
Classification: Likely pathogenic for Biotinidase deficiency. Last evaluated: 2016-06-20. Review status: no assertion criteria provided. Collection method: clinical testing. Allele origin: unknown. Not counted in ClinVar's aggregate classification.

Literature cited by the submitters: PubMed 10400129 (cited by 4 submitters); PubMed 22698809 (cited by 6 submitters); PubMed 39688110 (cited by Quest Diagnostics Nichols Institute San Juan Capistrano); PubMed 38299772 (cited by Quest Diagnostics Nichols Institute San Juan Capistrano); PubMed 38459613 (cited by Quest Diagnostics Nichols Institute San Juan Capistrano); PubMed 1668630 (cited by Quest Diagnostics Nichols Institute San Juan Capistrano); PubMed 26810761 (cited by Quest Diagnostics Nichols Institute San Juan Capistrano and Counsyl); PubMed 26334177 (cited by Counsyl).

NM_001370658.1(BTD):c.468G>T (p.Lys156Asn)

Gene: BTD (biotinidase; plus strand). Cytogenetic location: 3p25.1.
Variant type: single nucleotide variant.
Coding change: c.468G>T on transcript NM_001370658.1 (MANE Select); coding-DNA position 468, G replaced by T.
Protein change: p.Lys156Asn; replaces lysine 156 with asparagine.
Molecular consequence: missense variant. On other transcripts: intron variant (1).
Genome position (GRCh38, 1-based): chr3:15,644,384, G>T. VCF-style: chr3-15644384-G-T. GRCh37 (hg19) VCF-style: chr3-15685891-G-T.
Other names: c.468G>T, p.Lys156Asn (NM_001407372.1, NM_001407373.1, NM_001407374.1 and 18 more transcripts); c.399+2327G>T (NM_001370753.1); c.528G>T, p.Lys176Asn (NM_000060.4); short protein forms K156N.
Identifiers: ClinVar variation 25018 (VCV000025018.74), dbSNP rs397514367, ClinGen allele CA220325.